The following is an entry in ClinVar:

ClinVar aggregate classification (germline): Pathogenic/Likely pathogenic. Review status: criteria provided, multiple submitters, no conflicts (2 of 4 stars). 2 submissions from 2 submitters: Pathogenic (1); Likely pathogenic (1). Last evaluated 2025-04-24.

Conditions:
Familial cancer of breast. Also called: BREAST CANCER, FAMILIAL; Hereditary breast cancer; hereditary breast carcinoma. Identifiers: Orphanet 227535, MedGen C0346153, MONDO:0016419, OMIM 114480. Disease mechanism: loss of function.
Breast-ovarian cancer, familial, susceptibility to, 5 (BROVCA5). Identifiers: MedGen C5830615, MONDO:0957530, OMIM 620442.

Submissions (2):

Dasa
Classification: Likely pathogenic for Breast-ovarian cancer, familial, susceptibility to, 5. Last evaluated: 2025-04-24. Review status: criteria provided, single submitter. Criteria: DASA Assertion Criteria. Collection method: clinical testing. Allele origin: germline.
Comment: NM_024675.4(PALB2):c.1539dup (p.Gly514Argfs*15) is a frameshift variant in PALB2 predicted to alter the reading frame and introduce a premature termination codon and is predicted to result in an absent or altered protein product. Loss of function is an established disease mechanism for PALB2 (PMID: 17200668; PMID: 25099575; PMID: 31841383). Also, this variant is absent from population databases. Based on the currently available evidence, this variant is classified as likely pathogenic.

Mendelics
Classification: Pathogenic for Familial cancer of breast. Last evaluated: 2019-05-28. Review status: criteria provided, single submitter. Criteria: Mendelics Assertion Criteria 2017. Collection method: clinical testing. Allele origin: unknown.

Literature cited by the submitters: PubMed 17200668 (cited by Dasa); PubMed 25099575 (cited by Dasa); PubMed 31841383 (cited by Dasa).

NM_024675.4(PALB2):c.1539dup (p.Gly514fs)

Gene: PALB2 (partner and localizer of BRCA2; minus strand). Cytogenetic location: 16p12.2.
Variant type: Duplication.
Coding change: c.1539dup on transcript NM_024675.4 (MANE Select); coding-DNA position 1539, one base duplicated (A; older notation c.1539dupA).
Protein change: p.Gly514fs; shifts the reading frame from glycine 514.
Genome position (GRCh38, 1-based): chr16:23,635,007, T duplicated on the plus strand (A on the coding strand, the reverse complement: PALB2 is on the minus strand). VCF-style (leftmost placement, unchanged base first): chr16-23635006-C-CT. GRCh37 (hg19) VCF-style: chr16-23646327-C-CT.
Other names: short protein forms G514fs.
Identifiers: ClinVar variation 584909 (VCV000584909.6), dbSNP rs1567220784, ClinGen allele CA891844523.